The following is an entry in ClinVar:

ClinVar aggregate classification (germline): Uncertain significance (1 of 4 stars; one submission).

Submission:

GeneDx
Classification: Uncertain significance. Last evaluated: 2025-06-28. Review status: criteria provided, single submitter. Criteria: GeneDx Variant Classification Process June 2021. Collection method: clinical testing. Allele origin: germline. Affected: yes.
Comment: Not observed at significant frequency in large population cohorts (gnomAD); In silico analysis suggests that this missense variant does not alter protein structure/function; Has not been previously published as pathogenic or benign to our knowledge

NM_133433.4(NIPBL):c.2399C>T (p.Ala800Val)

Gene: NIPBL (NIPBL cohesin loading factor; plus strand). Cytogenetic location: 5p13.2.
Variant type: single nucleotide variant.
Coding change: c.2399C>T on transcript NM_133433.4 (MANE Select); coding-DNA position 2399, C replaced by T.
Protein change: p.Ala800Val; replaces alanine 800 with valine.
Molecular consequence: missense variant.
Genome position (GRCh38, 1-based): chr5:36,985,579, C>T. VCF-style: chr5-36985579-C-T. GRCh37 (hg19) VCF-style: chr5-36985681-C-T.
Other names: c.2399C>T, p.Ala800Val (NM_001438586.1, NM_015384.5); short protein forms A800V.
Identifiers: ClinVar variation 4539892 (VCV004539892.1).